The following is an entry in ClinVar:

NM_022455.5(NSD1):c.4498-10del

Gene: NSD1 (nuclear receptor binding SET domain protein 1; plus strand). Cytogenetic location: 5q35.3.
Variant type: Deletion.
Coding change: c.4498-10del on transcript NM_022455.5 (MANE Select); 10 bases into the intron before coding-DNA position 4498, one base deleted (T; older notation c.4498-10delT).
Molecular consequence: intron variant.
Genome position (GRCh38, 1-based): chr5:177,248,171, T deleted; the last of 6 consecutive T bases (chr5:177,248,166-177,248,171); deleting any one gives the same sequence. VCF-style (leftmost placement, unchanged base first): chr5-177248165-AT-A. GRCh37 (hg19) VCF-style: chr5-176675166-AT-A.
Other names: c.4498-10delT (NM_022455.4); c.4498-10del (NM_001409301.1, NM_001409302.1, NM_001409303.1); c.4078-10del (NM_001409304.1); c.3745-10del (NM_001409305.1); c.3625-10del (NM_001409306.1, NM_001409308.1, NM_001409307.1 and 3 more transcripts).
Identifiers: ClinVar variation 96059 (VCV000096059.23), dbSNP rs200890017, ClinGen allele CA149202.

ClinVar aggregate classification (germline): Benign/Likely benign. Review status: criteria provided, multiple submitters, no conflicts (2 of 4 stars). 9 submissions from 9 submitters: Benign (8); Likely benign (1). Last evaluated 2026-02-03.

Conditions:
Sotos syndrome (SOTOS). Also called: SOTOS SYNDROME 1; CEREBRAL GIGANTISM; Distinctive facial appearance, overgrowth in childhood, and learning disabilities or delayed development; CHROMOSOME 5q35 DELETION SYNDROME; Sotos' syndrome. Identifiers: Orphanet 821, MedGen C0175695, MONDO:0019349, OMIM 117550.

Submissions (9):

Labcorp Genetics (formerly Invitae), Labcorp
Classification: Benign. Last evaluated: 2026-02-03. Review status: criteria provided, single submitter. Criteria: Invitae Variant Classification Sherloc (09022015). Collection method: clinical testing. Allele origin: germline.

Dasa
Classification: Benign. Last evaluated: 2025-11-21. Review status: criteria provided, single submitter. Criteria: DASA Assertion Criteria. Collection method: clinical testing. Allele origin: germline.
Comment: NM_022455.5(NSD1):c.4498-10del is interpreted as benign based on a combination of available evidence, including population frequency, observations in unaffected individuals, and in silico models suggesting no deleterious effect. Based on the available data, this variant is classified as benign.

Blueprint Genetics
Classification: Benign. Last evaluated: 2024-11-26. Review status: criteria provided, single submitter. Criteria: ACMG Guidelines, 2015. Collection method: clinical testing. Allele origin: germline.

Genome-Nilou Lab
Classification: Benign for Sotos syndrome. Last evaluated: 2021-07-15. Review status: criteria provided, single submitter. Criteria: ACMG Guidelines, 2015. Collection method: clinical testing. Allele origin: germline. Affected: no.

Center for Human Genetics, Inc
Classification: Likely benign. Last evaluated: 2016-11-01. Review status: criteria provided, single submitter. Criteria: ACMG Guidelines, 2015. Collection method: clinical testing. Allele origin: germline. Affected: yes.

GeneDx
Classification: Benign. Last evaluated: 2015-03-03. Review status: criteria provided, single submitter. Criteria: GeneDx Variant Classification Process June 2021. Collection method: clinical testing. Allele origin: germline. Affected: yes.

Eurofins Ntd Llc (ga)
Classification: Benign. Last evaluated: 2013-04-30. Review status: criteria provided, single submitter. Criteria: EGL Classification Definitions 2015. Collection method: clinical testing. Allele origin: germline. Observed: 11 variant alleles, 11 heterozygotes.

Genetic Services Laboratory, University of Chicago
Classification: Benign. Last evaluated: 2013-02-08. Review status: criteria provided, single submitter. Criteria: ACMG Guidelines, 2007. Collection method: clinical testing. Allele origin: germline.

PreventionGenetics, part of Exact Sciences
Classification: Benign. Review status: criteria provided, single submitter. Criteria: ACMG Guidelines, 2015. Collection method: clinical testing. Allele origin: germline.